The following is an entry in ClinVar:

NM_000455.5(STK11):c.275A>G (p.Glu92Gly)

Gene: STK11 (serine/threonine kinase 11; plus strand). Cytogenetic location: 19p13.3.
Variant type: single nucleotide variant.
Coding change: c.275A>G on transcript NM_000455.5 (MANE Select); coding-DNA position 275, A replaced by G.
Protein change: p.Glu92Gly; replaces glutamic acid 92 with glycine.
Molecular consequence: missense variant.
Genome position (GRCh38, 1-based): chr19:1,207,188, A>G. VCF-style: chr19-1207188-A-G. GRCh37 (hg19) VCF-style: chr19-1207187-A-G.
Other names: p.E92G:GAG>GGG; short protein forms E92G.
Identifiers: ClinVar variation 182917 (VCV000182917.2), dbSNP rs730881989, ClinGen allele CA022766.

ClinVar aggregate classification (germline): Uncertain significance (1 of 4 stars; one submission).

Submission:

GeneDx
Classification: Uncertain significance. Last evaluated: 2014-05-12. Review status: criteria provided, single submitter. Criteria: GeneDx Variant Classification (06012015). Collection method: clinical testing. Allele origin: germline. Affected: yes.
Comment: This variant is denoted STK11 c.275A>G at the cDNA level, p.Glu92Gly (E92G) at the protein level, and results in the change of a Glutamic Acid to a Glycine (GAG>GGG). This variant has not, to our knowledge, been published in the literature as pathogenic or benign. STK11 Glu92Gly was not observed in approximately 6,150 individuals of European and African American ancestry in the NHLBI Exome Sequencing Project, indicating it is not a common benign variant in these populations. Since Glutamic Acid and Glycine differ in polarity, charge, size or other properties, this is considered a non-conservative amino acid substitution. STK11 Glu92Gly occurs at a position that is moderately conserved across species and is located in the region of the protein kinase domain involved with binding and orientation of ATP (Hearle 2006, Uniprot). In addition, in silico analyses predict that this variant is probably damaging to protein structure and function. Based on currently available information, it is unclear whether STK11 Glu92Gly is pathogenic or benign. We consider it to be a variant of uncertain significance.